The following is an entry in ClinVar:

NM_018026.4(PACS1):c.2250+3G>C

Gene: PACS1 (phosphofurin acidic cluster sorting protein 1; plus strand). Cytogenetic location: 11q13.2.
Variant type: single nucleotide variant.
Coding change: c.2250+3G>C on transcript NM_018026.4 (MANE Select); 3 bases into the intron after coding-DNA position 2250, G replaced by C.
Molecular consequence: intron variant.
Genome position (GRCh38, 1-based): chr11:66,235,943, G>C. VCF-style: chr11-66235943-G-C. GRCh37 (hg19) VCF-style: chr11-66003414-G-C.
Identifiers: ClinVar variation 4891058 (VCV004891058.1).

ClinVar aggregate classification (germline): Uncertain significance (1 of 4 stars; one submission).

Submission:

Greenwood Genetic Center Diagnostic Laboratories, Greenwood Genetic Center
Classification: Uncertain significance. Last evaluated: 2026-05-06. Review status: criteria provided, single submitter. Criteria: ACMG Guidelines, 2015. Collection method: clinical testing. Allele origin: germline.
Comment: PM2, PP3